The following is an entry in ClinVar:

ClinVar aggregate classification (germline): Likely pathogenic (1 of 4 stars; one submission).

Conditions:
Glycogen storage disease, type VII (GSD7). Also called: GSD VII; MUSCLE PHOSPHOFRUCTOKINASE DEFICIENCY; PFKM DEFICIENCY; TARUI DISEASE. Identifiers: Orphanet 371, MedGen C0017926, MONDO:0009295, OMIM 232800.

Submission:

Myriad Genetics, Inc.
Classification: Likely pathogenic for Glycogen storage disease, type VII. Last evaluated: 2022-02-05. Review status: criteria provided, single submitter. Criteria: Myriad Women's Health Autosomal Recessive and X-Linked Classification Criteria (2021). Collection method: clinical testing. Allele origin: unknown.
Comment: NM_001166686.1(PFKM):c.2072_2073delTG(V691Efs*9) is expected to be pathogenic in the context of glycogen storage disease type VII. This variant is predicted to lead to an abnormal or absent protein product due to the creation of a premature termination codon in PFKM, a gene where loss-of-function variants are known to be pathogenic. Please note: this variant was assessed in the context of healthy population screening.

NM_000289.6(PFKM):c.1859_1860del (p.Val620fs)

Gene: PFKM (phosphofructokinase, muscle; plus strand). Cytogenetic location: 12q13.11.
Variant type: Microsatellite.
Coding change: c.1859_1860del on transcript NM_000289.6 (MANE Select); coding-DNA positions 1859 to 1860, 2 bases deleted (TG; older notation c.1859_1860delTG).
Protein change: p.Val620fs; shifts the reading frame from valine 620.
Molecular consequence: frameshift variant. On other transcripts: non-coding transcript variant (6).
Genome position (GRCh38, 1-based): chr12:48,143,793-48,143,794, TG deleted; deleting any 2 consecutive bases within chr12:48,143,791-48,143,794 gives the same sequence; the c. name uses the placement nearest the transcript's 3' end. VCF-style (leftmost placement, unchanged base first): chr12-48143790-CTG-C. GRCh37 (hg19) VCF-style: chr12-48537573-CTG-C.
Other names: c.2072_2073del, p.Val691fs (NM_001166686.2, NM_001354737.1, NM_001354738.1 and 1 more transcripts); c.1859_1860del, p.Val620fs (NM_001166687.2, NM_001166688.2, NM_001354742.2 and 2 more transcripts); c.2168_2169del, p.Val723fs (NM_001354735.1, NM_001354736.1); c.2003_2004del, p.Val668fs (NM_001354740.1); c.1883_1884del, p.Val628fs (NM_001354741.2); c.1772_1773del, p.Val591fs (NM_001354745.2); c.1733_1734del, p.Val578fs (NM_001354746.2); c.1709_1710del, p.Val570fs (NM_001354747.2, NM_001354748.2); and 1 more; short protein forms V570fs, V578fs, V589fs, V591fs, V620fs, V628fs, V668fs, V691fs.
Identifiers: ClinVar variation 1724328 (VCV001724328.2), dbSNP rs2498639501, ClinGen allele CA2580615176.
Genomic context (GRCh38, chr12:48,143,790, plus strand): 5'-AGGATTTACTCTTTCATTTTCAGGCAAATGTTGAACATCTGGTGCAAAAGATGAAAACAA[CTG>C]TGAAAAGGGGCTTGGTGTTAAGGTACCTCATCCATGGTTTGTTCCTAAATGAAGAAGAAA-3'